The following is an entry in ClinVar:

NM_001953.5(TYMP):c.11del (p.Ala3_Leu4insTer)

Gene: TYMP (thymidine phosphorylase; minus strand). Cytogenetic location: 22q13.33.
Variant type: Deletion.
Coding change: c.11del on transcript NM_001953.5 (MANE Select); coding-DNA position 11, one base deleted (T; older notation c.11delT).
Protein change: p.Ala3_Leu4insTer.
Molecular consequence: nonsense.
Genome position (GRCh38, 1-based): chr22:50,529,699, A deleted on the plus strand (T on the coding strand, the reverse complement: TYMP is on the minus strand); the first of 2 consecutive A bases (chr22:50,529,699-50,529,700); deleting either gives the same sequence. VCF-style (leftmost placement, unchanged base first): chr22-50529698-CA-C. GRCh37 (hg19) VCF-style: chr22-50968127-CA-C.
Other names: c.11del, p.Ala3_Leu4insTer (NM_001113755.3, NM_001113756.3, NM_001257988.1 and 1 more transcripts); c.11del (NM_001953.4); c.11delT (NM_001953.5).
Identifiers: ClinVar variation 646061 (VCV000646061.15), dbSNP rs764792655, ClinGen allele CA10321899.

ClinVar aggregate classification (germline): Pathogenic/Likely pathogenic. Review status: criteria provided, multiple submitters, no conflicts (2 of 4 stars). 6 submissions from 6 submitters: Pathogenic (3); Likely pathogenic (3). Last evaluated 2026-05-12.

Conditions:
Mitochondrial DNA depletion syndrome 1. Also called: Mitochondrial neurogastrointestinal encephalomyopathy syndrome; MITOCHONDRIAL NEUROGASTROINTESTINAL ENCEPHALOPATHY SYNDROME, TYMP-RELATED; MNGIE, TYMP-RELATED; Mitochondrial Neurogastrointestinal Encephalopathy Disease; Mitochondrial DNA depletion syndrome 1 (MNGIE type); Mitochondrial DNA Depletion Syndrome, MNGIE Form. Identifiers: Orphanet 298, MedGen C4551995, MONDO:0011283, OMIM 603041.
TYMP-related disorder. Also called: TYMP-related condition.
Mitochondrial neurogastrointestinal encephalomyopathy. Also called: Mitochondrial neurogastrointestinal encephalopathy syndrome; MNGIE syndrome; Thymidine phosphorylase deficiency. Identifiers: Orphanet 298, MedGen C0872218, MONDO:0017575.

Submissions (6):

Women's Health and Genetics/Laboratory Corporation of America, LabCorp
Classification: Pathogenic for Mitochondrial DNA depletion syndrome 1. Last evaluated: 2026-05-12. Review status: criteria provided, single submitter. Criteria: LabCorp Variant Classification Summary - May 2015. Collection method: clinical testing. Allele origin: germline.
Comment: Variant summary: TYMP c.11delT (p.Leu4X) results in a premature termination codon, predicted to cause a truncation of the encoded protein or absence of the protein due to nonsense mediated decay, which are commonly known mechanisms for disease. The variant allele was found at a frequency of 3.4e-05 in 238416 control chromosomes. To our knowledge, no occurrence of c.11delT in individuals affected with TYMP-related conditions and no experimental evidence demonstrating its impact on protein function have been reported. ClinVar contains an entry for this variant (Variation ID: 646061). Based on the evidence outlined above, the variant was classified as pathogenic.

Natera, Inc.
Classification: Likely pathogenic for Mitochondrial neurogastrointestinal encephalomyopathy. Last evaluated: 2025-11-24. Review status: criteria provided, single submitter. Criteria: Natera Variant Classification Schema (03/2026). Collection method: clinical testing. Allele origin: germline.
Comment: The c.11delT variant in TYMP is a frameshift variant predicted to shift the reading frame and introduce a stop codon. This variant is expected to result in nonsense mediated decay, truncation, or a dysfunctional protein product. This variant is rare in the general population with a frequency below the threshold expected for the associated phenotype(s). Given the available evidence, this variant is classified as Likely Pathogenic.

Labcorp Genetics (formerly Invitae), Labcorp
Classification: Pathogenic. Last evaluated: 2025-02-12. Review status: criteria provided, single submitter. Criteria: Invitae Variant Classification Sherloc (09022015). Collection method: clinical testing. Allele origin: germline.
Comment: This sequence change creates a premature translational stop signal (p.Leu4*) in the TYMP gene. It is expected to result in an absent or disrupted protein product. Loss-of-function variants in TYMP are known to be pathogenic (PMID: 9924029, 15781193). This variant is present in population databases (rs764792655, gnomAD 0.02%). This variant has not been reported in the literature in individuals affected with TYMP-related conditions. ClinVar contains an entry for this variant (Variation ID: 646061). For these reasons, this variant has been classified as Pathogenic.

Blueprint Genetics
Classification: Likely pathogenic for TYMP-related disorders. Last evaluated: 2023-09-13. Review status: criteria provided, single submitter. Criteria: ACMG Guidelines, 2015. Collection method: clinical testing. Allele origin: germline. Affected: yes. Observed: 3 variant alleles.

Revvity Omics, Revvity
Classification: Likely pathogenic for Mitochondrial DNA depletion syndrome 1. Last evaluated: 2022-03-31. Review status: criteria provided, single submitter. Criteria: ACMG Guidelines, 2015. Collection method: clinical testing. Allele origin: germline.

Fulgent Genetics
Classification: Pathogenic for Mitochondrial DNA depletion syndrome 1. Last evaluated: 2021-07-09. Review status: criteria provided, single submitter. Criteria: ACMG Guidelines, 2015. Collection method: clinical testing. Allele origin: unknown.

Literature cited by the submitters: PubMed 9924029 (cited by Labcorp Genetics (formerly Invitae), Labcorp); PubMed 15781193 (cited by Labcorp Genetics (formerly Invitae), Labcorp).